The following is an entry in ClinVar:

NM_001127208.3(TET2):c.1705G>A (p.Ala569Thr)

Genes: TET2 (tet methylcytosine dioxygenase 2; plus strand), TET2-AS1 (TET2 antisense RNA 1; minus strand). Cytogenetic location: 4q24.
Variant type: single nucleotide variant.
Coding change: c.1705G>A on transcript NM_001127208.3 (MANE Select); coding-DNA position 1705, G replaced by A.
Protein change: p.Ala569Thr; replaces alanine 569 with threonine.
Molecular consequence: missense variant.
Genome position (GRCh38, 1-based): chr4:105,235,647, G>A. VCF-style: chr4-105235647-G-A. GRCh37 (hg19) VCF-style: chr4-106156804-G-A.
Other names: c.1705G>A, p.Ala569Thr (NM_017628.4); short protein forms A569T.
Identifiers: ClinVar variation 4594189 (VCV004594189.1).

ClinVar aggregate classification (germline): Uncertain significance (1 of 4 stars; one submission).

gnomAD v4.1: 3 of 1,613,986 alleles (0.00019%); highest among the groups gnomAD compares: Admixed American, 0.005%; no homozygotes.

Submission:

Ambry Genetics
Classification: Uncertain significance. Last evaluated: 2025-11-05. Review status: criteria provided, single submitter. Criteria: Ambry Variant Classification Scheme 2023. Collection method: clinical testing. Allele origin: germline.
Comment: The p.A569T variant (also known as c.1705G>A), located in coding exon 1 of the TET2 gene, results from a G to A substitution at nucleotide position 1705. The alanine at codon 569 is replaced by threonine, an amino acid with similar properties. This amino acid position is conserved. In addition, this alteration is predicted to be tolerated by in silico analysis. Based on the available evidence, the clinical significance of this variant remains unclear.